The following is an entry in ClinVar:

NM_001291303.3(FAT4):c.10783C>G (p.Gln3595Glu)

Gene: FAT4 (FAT atypical cadherin 4; plus strand). Cytogenetic location: 4q28.1.
Variant type: single nucleotide variant.
Coding change: c.10783C>G on transcript NM_001291303.3 (MANE Select); coding-DNA position 10783, C replaced by G.
Protein change: p.Gln3595Glu; replaces glutamine 3595 with glutamic acid.
Molecular consequence: missense variant.
Genome position (GRCh38, 1-based): chr4:125,451,793, C>G. VCF-style: chr4-125451793-C-G. GRCh37 (hg19) VCF-style: chr4-126372948-C-G.
Other names: c.10783C>G, p.Gln3595Glu (NM_001291285.3); c.10777C>G, p.Gln3593Glu (NM_024582.6); short protein forms Q3593E, Q3595E.
Identifiers: ClinVar variation 3378121 (VCV003378121.2).
Genomic context (GRCh38, chr4:125,451,793, plus strand): 5'-GACAGAGAGCAGATTGCAGACTTCTATCTGTCTGTGGTTACCAAGGATTCTGGTGTTCCT[C>G]AAATGTCTTCCACAGGAACTGTGCATATCACAGTTATAGACCAAAATGACAATCCTTCAC-3'
Protein context (NP_001278232.1, residues 3585-3605): SVVTKDSGVP[Gln3595Glu]MSSTGTVHIT

ClinVar aggregate classification (germline): Uncertain significance (1 of 4 stars; one submission).

Submission:

GeneDx
Classification: Uncertain significance. Last evaluated: 2026-10-26. Review status: criteria provided, single submitter. Criteria: GeneDx Variant Classification Process June 2021. Collection method: clinical testing. Allele origin: germline.
Comment: Not observed at significant frequency in large population cohorts (gnomAD); In silico analysis indicates that this missense variant does not alter protein structure/function; Has not been previously published as pathogenic or benign to our knowledge